The following is an entry in ClinVar:

NM_002230.4(JUP):c.227T>G (p.Met76Arg)

Gene: JUP (junction plakoglobin; minus strand). Cytogenetic location: 17q21.2.
Variant type: single nucleotide variant.
Coding change: c.227T>G on transcript NM_002230.4 (MANE Select); coding-DNA position 227, T replaced by G.
Protein change: p.Met76Arg; replaces methionine 76 with arginine.
Molecular consequence: missense variant.
Genome position (GRCh38, 1-based): chr17:41,769,659, A>C on the plus strand (T>G on the coding strand, the complement: JUP is on the minus strand). VCF-style: chr17-41769659-A-C. GRCh37 (hg19) VCF-style: chr17-39925911-A-C.
Other names: c.227T>G (NM_002230.3); c.227T>G, p.Met76Arg (NM_001352773.2, NM_001352774.2, NM_001352775.2 and 3 more transcripts); short protein forms M76R.
Identifiers: ClinVar variation 3531655 (VCV003531655.3), dbSNP rs782144363.

ClinVar aggregate classification (germline): Uncertain significance. Review status: criteria provided, multiple submitters, no conflicts (2 of 4 stars). 3 submissions from 3 submitters: Uncertain significance (3). Last evaluated 2025-10-23.

Conditions:
Arrhythmogenic right ventricular dysplasia 12. Also called: ARRHYTHMOGENIC RIGHT VENTRICULAR DYSPLASIA, FAMILIAL, 12. Identifiers: MedGen C1969081, MONDO:0012684, OMIM 611528.
Naxos disease (NXD). Also called: CARDIOMYOPATHY, ARRHYTHMOGENIC RIGHT VENTRICULAR, WITH SKIN, HAIR, AND NAIL ABNORMALITIES; KERATOSIS PALMOPLANTARIS WITH ARRHYTHMOGENIC CARDIOMYOPATHY; MAL DE NAXOS; PALMOPLANTAR KERATODERMA WITH ARRHYTHMOGENIC RIGHT VENTRICULAR CARDIOMYOPATHY AND WOOLLY HAIR; WOOLLY HAIR, PALMOPLANTAR KERATODERMA, AND CARDIAC ABNORMALITIES. Identifiers: Orphanet 34217, MedGen C1832600, MONDO:0011017, OMIM 601214.
Cardiovascular phenotype. Identifiers: MedGen CN230736.

gnomAD v4.1: 1 of 1,608,828 alleles (0.000062%); highest among the groups gnomAD compares: Non-Finnish European, 0.000085%; no homozygotes.

Submissions (3):

Labcorp Genetics (formerly Invitae), Labcorp
Classification: Uncertain significance for Arrhythmogenic right ventricular dysplasia 12; Naxos disease. Last evaluated: 2025-10-23. Review status: criteria provided, single submitter. Criteria: Invitae Variant Classification Sherloc (09022015). Collection method: clinical testing. Allele origin: germline.
Comment: This sequence change replaces methionine, which is neutral and non-polar, with arginine, which is basic and polar, at codon 76 of the JUP protein (p.Met76Arg). This variant is present in population databases (rs782144363, gnomAD 0.001%). This variant has not been reported in the literature in individuals affected with JUP-related conditions. ClinVar contains an entry for this variant (Variation ID: 3531655). An algorithm developed to predict the effect of missense changes on protein structure and function (PolyPhen-2) suggests that this variant is likely to be tolerated. In summary, the available evidence is currently insufficient to determine the role of this variant in disease. Therefore, it has been classified as a Variant of Uncertain Significance.

Molecular Diagnostic Laboratory for Inherited Cardiovascular Disease, Montreal Heart Institute
Classification: Uncertain significance for Cardiovascular phenotype. Last evaluated: 2025-04-09. Review status: criteria provided, single submitter. Criteria: ACMG Guidelines, 2015. Collection method: clinical testing. Allele origin: germline. Affected: yes.
Comment: PM2, BP4

Ambry Genetics
Classification: Uncertain significance for Cardiovascular phenotype. Last evaluated: 2024-11-13. Review status: criteria provided, single submitter. Criteria: Ambry Variant Classification Scheme 2023. Collection method: clinical testing. Allele origin: germline.
Comment: The p.M76R variant (also known as c.227T>G), located in coding exon 2 of the JUP gene, results from a T to G substitution at nucleotide position 227. The methionine at codon 76 is replaced by arginine, an amino acid with similar properties. This amino acid position is conserved. In addition, this alteration is predicted to be tolerated by in silico analysis. Based on the available evidence, the clinical significance of this variant remains unclear.